The following is an entry in ClinVar:

NM_004370.6(COL12A1):c.1667C>T (p.Ala556Val)

Gene: COL12A1 (collagen type XII alpha 1 chain; minus strand). Cytogenetic location: 6q13.
Variant type: single nucleotide variant.
Coding change: c.1667C>T on transcript NM_004370.6 (MANE Select); coding-DNA position 1667, C replaced by T.
Protein change: p.Ala556Val; replaces alanine 556 with valine.
Molecular consequence: missense variant. On other transcripts: intron variant (1).
Genome position (GRCh38, 1-based): chr6:75,183,274, G>A on the plus strand (C>T on the coding strand, the complement: COL12A1 is on the minus strand). VCF-style: chr6-75183274-G-A. GRCh37 (hg19) VCF-style: chr6-75892990-G-A.
Other names: p.Ala556Val; c.73+19446C>T (NM_080645.3); short protein forms A556V.
Identifiers: ClinVar variation 1057682 (VCV001057682.15), dbSNP rs538463802, ClinGen allele CA3894160.

ClinVar aggregate classification (germline): Uncertain significance. Review status: criteria provided, multiple submitters, no conflicts (2 of 4 stars). 5 submissions from 5 submitters: Uncertain significance (5). Last evaluated 2025-11-04.

Conditions:
Ullrich congenital muscular dystrophy 2 (UCMD2). Identifiers: Orphanet 75840, MedGen C4225314, MONDO:0014654, OMIM 616470.
Bethlem myopathy 2 (BTHLM2). Identifiers: Orphanet 536516, Orphanet 610, MedGen C4225313, MONDO:0034022, OMIM 616471.

Allele frequency attached by ClinVar (database versions not stated): ExAC 0.00001; gnomAD 0.00001; gnomAD exomes 0.00001 and 0.00002; TOPMed 0.00002; 1000 Genomes Project 30x 0.00016; 1000 Genomes Project 0.00020.
gnomAD v4.1: 38 of 1,614,178 alleles (0.0024%); highest among the groups gnomAD compares: Non-Finnish European, 0.0031%; no homozygotes.

Submissions (5):

Women's Health and Genetics/Laboratory Corporation of America, LabCorp
Classification: Uncertain significance. Last evaluated: 2025-11-04. Review status: criteria provided, single submitter. Criteria: LabCorp Variant Classification Summary - May 2015. Collection method: clinical testing. Allele origin: germline.
Comment: Variant summary: COL12A1 c.1667C>T (p.Ala556Val) results in a non-conservative amino acid change in the encoded protein sequence. Algorithms developed to predict the effect of missense changes on protein structure and function all suggest that this variant is likely to be disruptive. The variant allele was found at a frequency of 1.2e-05 in 249424 control chromosomes. The available data on variant occurrences in the general population are insufficient to allow any conclusion about variant significance. To our knowledge, no occurrence of c.1667C>T in individuals affected with COL12A1-related conditions and no experimental evidence demonstrating its impact on protein function have been reported. ClinVar contains an entry for this variant (Variation ID: 1057682). Based on the evidence outlined above, the variant was classified as uncertain significance.

Mayo Clinic Laboratories, Mayo Clinic
Classification: Uncertain significance. Last evaluated: 2025-03-21. Review status: criteria provided, single submitter. Criteria: ACMG Guidelines, 2015. Collection method: clinical testing. Allele origin: germline. Observed: 2 variant alleles.

Revvity Omics, Revvity
Classification: Uncertain significance. Last evaluated: 2024-10-02. Review status: criteria provided, single submitter. Criteria: ACMG Guidelines, 2015. Collection method: clinical testing. Allele origin: germline.

Labcorp Genetics (formerly Invitae), Labcorp
Classification: Uncertain significance for Bethlem myopathy 2; Ullrich congenital muscular dystrophy 2. Last evaluated: 2024-06-26. Review status: criteria provided, single submitter. Criteria: Invitae Variant Classification Sherloc (09022015). Collection method: clinical testing. Allele origin: germline.
Comment: This sequence change replaces alanine, which is neutral and non-polar, with valine, which is neutral and non-polar, at codon 556 of the COL12A1 protein (p.Ala556Val). This variant is present in population databases (rs538463802, gnomAD 0.003%). This variant has not been reported in the literature in individuals affected with COL12A1-related conditions. ClinVar contains an entry for this variant (Variation ID: 1057682). Advanced modeling of protein sequence and biophysical properties (such as structural, functional, and spatial information, amino acid conservation, physicochemical variation, residue mobility, and thermodynamic stability) performed at Invitae indicates that this missense variant is not expected to disrupt COL12A1 protein function with a negative predictive value of 80%. In summary, the available evidence is currently insufficient to determine the role of this variant in disease. Therefore, it has been classified as a Variant of Uncertain Significance.

GeneDx
Classification: Uncertain significance. Last evaluated: 2020-09-25. Review status: criteria provided, single submitter. Criteria: GeneDx Variant Classification Process June 2021. Collection method: clinical testing. Allele origin: germline. Affected: yes.
Comment: Has not been previously published as pathogenic or benign to our knowledge; Not observed at a significant frequency in large population cohorts (Lek et al., 2016); In silico analysis supports that this missense variant does not alter protein structure/function